The following is an entry in ClinVar:

ClinVar aggregate classification (germline): Pathogenic/Likely pathogenic. Review status: criteria provided, multiple submitters, no conflicts (2 of 4 stars). 7 submissions from 7 submitters: Pathogenic (2); Likely pathogenic (4). 1 of the submissions does not count toward it. Last evaluated 2026-01-14.

Conditions:
SLC7A9-related disorder. Also called: SLC7A9-related condition.
Cystinuria (CSNU). Also called: CYSTINURIA, TYPE I; CYSTINURIA, TYPE II; CYSTINURIA, TYPE III; Cystinuria, non-type I. Identifiers: Orphanet 214, MedGen C0010691, MONDO:0009067, OMIM 220100, HP:0003131.

Submissions (7):

Variantyx, Inc.
Classification: Likely pathogenic for Cystinuria. Last evaluated: 2026-01-14. Review status: criteria provided, single submitter. Criteria: Variantyx Assertion Criteria 2022. Collection method: clinical testing. Allele origin: germline. Inheritance: Autosomal recessive inheritance. Affected: no.
Comment: This is an intronic variant in the SLC7A9 gene (OMIM: 604144). Pathogenic variants in this gene have been associated with autosomal recessive cystinuria. This splicing variant has been shown to induced exon 12 skipping; however, complete loss of function cannot be predicted with confidence (PMID: 28717662). Loss of function is a known mechanism of disease for SLC7A9 in this disorder (PVS1_Strong). This variant has been reported in the homozygous or compound heterozygous state in at least 3 unrelated affected individuals (PMID: 28717662, 28646536, 16374432) (PM3). It has a 0.0157% maximum allele frequency in non-founder control populations (PM2). Based on the current evidence, this variant is classified as likely pathogenic for autosomal dominant or autosomal recessive cystinuria. However, cystinuria in heterozygotes has been reported to be associated with kidney stones occasionally; modifying genes or environmental factors may contribute to the phenotype (PMID: 25383320).

Labcorp Genetics (formerly Invitae), Labcorp
Classification: Pathogenic. Last evaluated: 2025-10-10. Review status: criteria provided, single submitter. Criteria: Invitae Variant Classification Sherloc (09022015). Collection method: clinical testing. Allele origin: germline.
Comment: This sequence change falls in intron 12 of the SLC7A9 gene. It does not directly change the encoded amino acid sequence of the SLC7A9 protein. It affects a nucleotide within the consensus splice site. This variant is present in population databases (rs747593886, gnomAD 0.01%). This variant has been observed in individual(s) with cystinuria (PMID: 11157794, 19782624, 28646536, 28717662). In at least one individual the data is consistent with being in trans (on the opposite chromosome) from a pathogenic variant. This variant is also known as IVS12+3-IVS12+6delAAGT, c.1999+3_1999 +6delAAGT, c.1399+3_1399+6del. ClinVar contains an entry for this variant (Variation ID: 208614). Variants that disrupt the consensus splice site are a relatively common cause of aberrant splicing (PMID: 17576681, 9536098). Studies have shown that this variant alters mRNA splicing and is expected to lead to the loss of protein expression (PMID: 28717662). For these reasons, this variant has been classified as Pathogenic.

Rare Kidney Stone Consortium and the Mayo Clinic Hyperoxaluria Center, Mayo Clinic
Classification: Pathogenic for Cystinuria. Last evaluated: 2025-10-03. Review status: criteria provided, single submitter. Criteria: ACMG Guidelines, 2015. Collection method: research. Allele origin: germline. Affected: yes. Observed: 1 variant allele.
Comment: ACMG:PM2, PM3, PP4, PP5

Mayo Clinic Laboratories, Mayo Clinic
Classification: Likely pathogenic. Last evaluated: 2024-09-11. Review status: criteria provided, single submitter. Criteria: ACMG Guidelines, 2015. Collection method: clinical testing. Allele origin: germline. Observed: 1 variant allele.
Comment: PP3, PM3, PS3_supporting, PS4_moderate

Fulgent Genetics
Classification: Likely pathogenic for Cystinuria. Last evaluated: 2024-02-05. Review status: criteria provided, single submitter. Criteria: ACMG Guidelines, 2015. Collection method: clinical testing. Allele origin: germline.

Blueprint Genetics
Classification: Likely pathogenic for SLC7A9-related disorders. Last evaluated: 2024-01-02. Review status: criteria provided, single submitter. Criteria: ACMG Guidelines, 2015. Collection method: clinical testing. Allele origin: germline. Affected: yes. Observed: 5 variant alleles.

Laboratory for Molecular Medicine, Mass General Brigham Personalized Medicine
Classification: Uncertain significance for Cystinuria. Last evaluated: 2014-12-24. Review status: flagged submission. Criteria: LMM Criteria. Collection method: clinical testing. Allele origin: germline. Inheritance: Autosomal recessive inheritance. Observed: 1 variant allele. Study: CSER-MedSeq. Not counted in ClinVar's aggregate classification.
Comment: The c.1399+4_1399+7del variant in SLC7A9 has been reported in 1 individual with non-Type I cystinuria with mild elevation of urinary cystine and dibasic amino acids (Font 2001). This variant has been identified in 8/67490 of European chromosomes by the Exome Aggregation Consortium (ExAC). This variant is located in the 5' splice region of the penultimate exon. Computational tools do suggest an impact to splicing. However, this information is not predictive enough to determine pathogenicity. In summary, while there is some suspicion for a pathogenic role, the clinical significance of the c.1399+4_1399+7del variant is uncertain.
ClinVar note: Reason: Older and outlier claim with insufficient supporting evidence

Literature cited by the submitters: PubMed 28717662 (cited by 4 submitters); PubMed 28646536 (cited by 4 submitters); PubMed 11157794 (cited by 4 submitters); PubMed 19782624 (cited by Labcorp Genetics (formerly Invitae), Labcorp and Mayo Clinic Laboratories, Mayo Clinic); PubMed 17576681 (cited by Labcorp Genetics (formerly Invitae), Labcorp); PubMed 9536098 (cited by Labcorp Genetics (formerly Invitae), Labcorp); PubMed 40794449 (cited by Rare Kidney Stone Consortium and the Mayo Clinic Hyperoxaluria Center, Mayo Clinic).

NM_014270.5(SLC7A9):c.1399+4_1399+7del

Gene: SLC7A9 (solute carrier family 7 member 9; minus strand). Cytogenetic location: 19q13.11.
Variant type: Microsatellite.
Coding change: c.1399+4_1399+7del on transcript NM_014270.5 (MANE Select); bases 4 to 7 of the intron after coding-DNA position 1399, 4 bases deleted (AGTA; older notation c.1399+4_1399+7delAGTA).
Molecular consequence: splice donor variant.
Genome position (GRCh38, 1-based): chr19:32,833,142-32,833,145, TACT deleted on the plus strand (AGTA on the coding strand, the reverse complement: SLC7A9 is on the minus strand); deleting any 4 consecutive bases within chr19:32,833,142-32,833,150 gives the same sequence; the c. name uses the placement nearest the transcript's 3' end. VCF-style (leftmost placement, unchanged base first): chr19-32833141-GTACT-G. GRCh37 (hg19) VCF-style: chr19-33324047-GTACT-G.
Other names: c.1399+4_1399+7del (NM_014270.4, NM_001126335.2, NM_001243036.2); c.1399+4_1399+7delAGTA (NM_014270.5).
Identifiers: ClinVar variation 208614 (VCV000208614.16), dbSNP rs747593886, ClinGen allele CA210640.